The following is an entry in ClinVar:

NM_032776.3(JMJD1C):c.4832A>G (p.Asp1611Gly)

Gene: JMJD1C (jumonji domain containing 1C; minus strand). Cytogenetic location: 10q21.3.
Variant type: single nucleotide variant.
Coding change: c.4832A>G on transcript NM_032776.3 (MANE Select); coding-DNA position 4832, A replaced by G.
Protein change: p.Asp1611Gly; replaces aspartic acid 1611 with glycine.
Molecular consequence: missense variant. On other transcripts: non-coding transcript variant (1).
Genome position (GRCh38, 1-based): chr10:63,206,837, T>C on the plus strand (A>G on the coding strand, the complement: JMJD1C is on the minus strand). VCF-style: chr10-63206837-T-C. GRCh37 (hg19) VCF-style: chr10-64966597-T-C.
Other names: c.4286A>G, p.Asp1429Gly (NM_001282948.2, NM_001318154.2); c.3968A>G, p.Asp1323Gly (NM_001318153.2); c.4718A>G, p.Asp1573Gly (NM_001322252.2); c.4175A>G, p.Asp1392Gly (NM_001322254.2, NM_001322258.2); short protein forms D1429G, D1573G, D1392G, D1611G, D1323G.
Identifiers: ClinVar variation 2454967 (VCV002454967.4), dbSNP rs777206872, ClinGen allele CA5518202.

ClinVar aggregate classification (germline): Uncertain significance. Review status: criteria provided, multiple submitters, no conflicts (2 of 4 stars). 2 submissions from 2 submitters: Uncertain significance (2). Last evaluated 2024-05-28.

Conditions:
Early Myoclonic Encephalopathy. Identifiers: MedGen C0270855.

Allele frequency attached by ClinVar (database versions not stated): gnomAD 0.00001; ExAC 0.00001.
gnomAD v4.1: 29 of 1,600,172 alleles (0.0018%); highest among the groups gnomAD compares: Non-Finnish European, 0.0021%; no homozygotes.

Submissions (2):

Labcorp Genetics (formerly Invitae), Labcorp
Classification: Uncertain significance for Early Myoclonic Encephalopathy. Last evaluated: 2024-05-28. Review status: criteria provided, single submitter. Criteria: Invitae Variant Classification Sherloc (09022015). Collection method: clinical testing. Allele origin: germline.
Comment: This sequence change replaces aspartic acid, which is acidic and polar, with glycine, which is neutral and non-polar, at codon 1611 of the JMJD1C protein (p.Asp1611Gly). This variant is present in population databases (rs777206872, gnomAD 0.002%). This variant has not been reported in the literature in individuals affected with JMJD1C-related conditions. ClinVar contains an entry for this variant (Variation ID: 2454967). Advanced modeling of protein sequence and biophysical properties (such as structural, functional, and spatial information, amino acid conservation, physicochemical variation, residue mobility, and thermodynamic stability) performed at Invitae indicates that this missense variant is not expected to disrupt JMJD1C protein function with a negative predictive value of 80%. In summary, the available evidence is currently insufficient to determine the role of this variant in disease. Therefore, it has been classified as a Variant of Uncertain Significance.

Ambry Genetics
Classification: Uncertain significance. Last evaluated: 2023-03-02. Review status: criteria provided, single submitter. Criteria: Ambry Variant Classification Scheme 2023. Collection method: clinical testing. Allele origin: germline.